The following is an entry in ClinVar:

ClinVar aggregate classification (germline): Uncertain significance (1 of 4 stars; one submission).

Conditions:
Brugada syndrome. Also called: Sudden unexpected nocturnal death syndrome; Sudden Unexplained Death Syndrome; Sudden Unexplained Nocturnal Death Syndrome (SUNDS); Sudden unexplained nocturnal death syndrome. Identifiers: Orphanet 130, MedGen C1142166, MONDO:0015263.

Allele frequency attached by ClinVar (database versions not stated): ExAC 0.00001; gnomAD 0.00001; TOPMed 0.00001.

Submission:

Labcorp Genetics (formerly Invitae), Labcorp
Classification: Uncertain significance for Brugada syndrome. Last evaluated: 2022-03-31. Review status: criteria provided, single submitter. Criteria: Invitae Variant Classification Sherloc (09022015). Collection method: clinical testing. Allele origin: germline.
Comment: In summary, the available evidence is currently insufficient to determine the role of this variant in disease. Therefore, it has been classified as a Variant of Uncertain Significance. Algorithms developed to predict the effect of sequence changes on RNA splicing suggest that this variant may create or strengthen a splice site. This variant has not been reported in the literature in individuals affected with SCN10A-related conditions. The frequency data for this variant in the population databases is considered unreliable, as metrics indicate poor data quality at this position in the gnomAD database. This sequence change falls in intron 17 of the SCN10A gene. It does not directly change the encoded amino acid sequence of the SCN10A protein.

NM_006514.4(SCN10A):c.3228+11C>A

Genes: SCN10A (sodium voltage-gated channel alpha subunit 10; minus strand), LOC110121288 (VISTA enhancer hs2268; plus strand). Cytogenetic location: 3p22.2.
Variant type: single nucleotide variant.
Coding change: c.3228+11C>A on transcript NM_006514.4 (MANE Select); 11 bases into the intron after coding-DNA position 3228, C replaced by A.
Molecular consequence: intron variant.
Genome position (GRCh38, 1-based): chr3:38,725,163, G>T on the plus strand (C>A on the coding strand, the complement: SCN10A is on the minus strand). VCF-style: chr3-38725163-G-T. GRCh37 (hg19) VCF-style: chr3-38766654-G-T.
Other names: c.2934+11C>A (NM_001293307.2); c.3225+11C>A (NM_001293306.2).
Identifiers: ClinVar variation 2198591 (VCV002198591.4), dbSNP rs781058660, ClinGen allele CA2320316.
Genomic context (GRCh38, chr3:38,725,163, plus strand): 5'-CCAGCCTCTACCAGCCCACTGCTCAGTGTCTGGCTGGCTGTCCAACCTCTCCAGGAAGCT[G>T]ACATACCTACCTCAGCAGGGACCTGAGGAACAGACTCATCTTTCCACGTCTCACCCAGGG-3'